The following is an entry in ClinVar:

NM_007294.4(BRCA1):c.2917C>A (p.Leu973Ile)

Gene: BRCA1 (BRCA1 DNA repair associated; minus strand). Cytogenetic location: 17q21.31.
Variant type: single nucleotide variant.
Coding change: c.2917C>A on transcript NM_007294.4 (MANE Select); coding-DNA position 2917, C replaced by A.
Protein change: p.Leu973Ile; replaces leucine 973 with isoleucine.
Molecular consequence: missense variant. On other transcripts: intron variant (137).
Genome position (GRCh38, 1-based): chr17:43,092,614, G>T on the plus strand (C>A on the coding strand, the complement: BRCA1 is on the minus strand). VCF-style: chr17-43092614-G-T. GRCh37 (hg19) VCF-style: chr17-41244631-G-T.
Other names: c.2794C>A, p.Leu932Ile (NM_001407938.1, NM_001407939.1, NM_001407664.1 and 19 more transcripts); c.2791C>A, p.Leu931Ile (NM_001407940.1, NM_001407941.1, NM_001407685.1 and 11 more transcripts); c.2776C>A, p.Leu926Ile (NM_001407942.1, NM_007297.4, NM_001407724.1 and 29 more transcripts); c.2773C>A, p.Leu925Ile (NM_001407943.1, NM_001407964.1, NM_001407743.1 and 20 more transcripts); c.2581C>A, p.Leu861Ile (NM_001407954.1, NM_001407955.1, NM_001407956.1 and 1 more transcripts); c.2584C>A, p.Leu862Ile (NM_001407957.1, NM_001407946.1, NM_001407947.1 and 6 more transcripts); c.2536C>A, p.Leu846Ile (NM_001407959.1, NM_001407960.1, NM_001407963.1); c.2533C>A, p.Leu845Ile (NM_001407962.1); and 41 more; short protein forms L973I, L926I, L805I, L861I, L884I, L885I, L903I, L931I.
Identifiers: ClinVar variation 577416 (VCV000577416.21), dbSNP rs80357080, ClinGen allele CA10596160.

ClinVar aggregate classification (germline): Conflicting classifications of pathogenicity. Review status: criteria provided, conflicting classifications (1 of 4 stars). 6 submissions from 6 submitters: Uncertain significance (4); Likely benign (2). Last evaluated 2024-04-01.

Conditions:
Breast-ovarian cancer, familial, susceptibility to, 1 (BROVCA1). Also called: BRCA1 Hereditary Breast and Ovarian Cancer; OVARIAN CANCER, SUSCEPTIBILITY TO. Identifiers: Orphanet 145, MedGen C2676676, MONDO:0011450, OMIM 604370. Disease mechanism: loss of function.
Hereditary breast ovarian cancer syndrome. Also called: Hereditary breast and ovarian cancer; Hereditary breast and ovarian cancer syndrome; Hereditary breast and ovarian cancer syndrome (HBOC); Breast and ovarian cancer; BRCA1- and BRCA2-Associated Hereditary Breast and Ovarian Cancer; Hereditary breast and/or ovarian cancer syndrome. Identifiers: Orphanet 145, MedGen C0677776, MeSH D061325, MONDO:0003582. Disease mechanism: loss of function.
Hereditary cancer-predisposing syndrome. Also called: Tumor predisposition; Neoplastic Syndromes, Hereditary; Hereditary Cancer Syndrome; Hereditary neoplastic syndrome. Identifiers: Orphanet 140162, MedGen C0027672, MeSH D009386, MONDO:0015356.

Allele frequency attached by ClinVar (database versions not stated): TOPMed below 0.00001.

Submissions (6):

Women's Health and Genetics/Laboratory Corporation of America, LabCorp
Classification: Uncertain significance. Last evaluated: 2024-04-01. Review status: criteria provided, single submitter. Criteria: LabCorp Variant Classification Summary - May 2015. Collection method: clinical testing. Allele origin: germline.

Labcorp Genetics (formerly Invitae), Labcorp
Classification: Uncertain significance for Hereditary breast ovarian cancer syndrome. Last evaluated: 2023-08-16. Review status: criteria provided, single submitter. Criteria: Invitae Variant Classification Sherloc (09022015). Collection method: clinical testing. Allele origin: germline.
Comment: This variant has not been reported in the literature in individuals affected with BRCA1-related conditions. In summary, the available evidence is currently insufficient to determine the role of this variant in disease. Therefore, it has been classified as a Variant of Uncertain Significance. Advanced modeling of protein sequence and biophysical properties (such as structural, functional, and spatial information, amino acid conservation, physicochemical variation, residue mobility, and thermodynamic stability) performed at Invitae indicates that this missense variant is not expected to disrupt BRCA1 protein function. ClinVar contains an entry for this variant (Variation ID: 577416). This variant is not present in population databases (gnomAD no frequency). This sequence change replaces leucine, which is neutral and non-polar, with isoleucine, which is neutral and non-polar, at codon 973 of the BRCA1 protein (p.Leu973Ile).

University of Washington Department of Laboratory Medicine, University of Washington
Classification: Likely benign for Hereditary cancer-predisposing syndrome. Last evaluated: 2023-03-23. Review status: criteria provided, single submitter. Criteria: Dines et al. (Genet Med. 2020). Collection method: curation. Allele origin: germline.
Comment: Missense variant in a coldspot region where missense variants are very unlikely to be pathogenic (PMID:31911673).

BRCA1 coldspot (exon 11 using historical exon numbering). Reclassification based on statistical prior probability

All of Us Research Program, National Institutes of Health
Classification: Uncertain significance for Breast-ovarian cancer, familial, susceptibility to, 1. Last evaluated: 2023-01-10. Review status: criteria provided, single submitter. Criteria: ACMG Guidelines, 2015. Collection method: clinical testing. Allele origin: germline. Inheritance: Autosomal dominant inheritance. Observed: 1 variant allele, 1 heterozygote.
Comment: This missense variant replaces leucine with isoleucine at codon 973 of the BRCA1 protein. Computational prediction suggests that this variant may not impact protein structure and function (internally defined REVEL score threshold <= 0.5, PMID: 27666373). To our knowledge, functional studies have not been reported for this variant. This variant has not been reported in individuals affected with BRCA1-related disorders in the literature. This variant has not been identified in the general population by the Genome Aggregation Database (gnomAD). The available evidence is insufficient to determine the role of this variant in disease conclusively. Therefore, this variant is classified as a Variant of Uncertain Significance.

This study involves interpretation of variants in research participants for the purpose of population health screening. Participant phenotype was not available at the time of variant classification. Additional details can be found in publication PMID: 35346344, PMCID: PMC8962531

Color Diagnostics, LLC DBA Color Health
Classification: Uncertain significance for Hereditary cancer-predisposing syndrome. Last evaluated: 2022-12-08. Review status: criteria provided, single submitter. Criteria: ACMG Guidelines, 2015. Collection method: clinical testing. Allele origin: germline.
Comment: This missense variant replaces leucine with isoleucine at codon 973 of the BRCA1 protein. Computational prediction suggests that this variant may not impact protein structure and function (internally defined REVEL score threshold <= 0.5, PMID: 27666373). To our knowledge, functional studies have not been reported for this variant. This variant has not been reported in individuals affected with BRCA1-related disorders in the literature. This variant has not been identified in the general population by the Genome Aggregation Database (gnomAD). The available evidence is insufficient to determine the role of this variant in disease conclusively. Therefore, this variant is classified as a Variant of Uncertain Significance.

Ambry Genetics
Classification: Likely benign for Hereditary cancer-predisposing syndrome. Last evaluated: 2022-09-16. Review status: criteria provided, single submitter. Criteria: Ambry Variant Classification Scheme 2023. Collection method: clinical testing. Allele origin: germline.